The following is an entry in ClinVar:

NM_000059.4(BRCA2):c.80dup (p.Ser28fs)

Gene: BRCA2 (BRCA2 DNA repair associated; plus strand). Cytogenetic location: 13q13.1.
Variant type: Duplication.
Coding change: c.80dup on transcript NM_000059.4 (MANE Select); coding-DNA position 80, one base duplicated (T; older notation c.80dupT).
Protein change: p.Ser28fs; shifts the reading frame from serine 28.
Molecular consequence: frameshift variant. On other transcripts: 5 prime UTR variant (1), non-coding transcript variant (1).
Genome position (GRCh38, 1-based): chr13:32,319,089, T duplicated. VCF-style (leftmost placement, unchanged base first): chr13-32319088-A-AT. GRCh37 (hg19) VCF-style: chr13-32893225-A-AT.
Other names: c.80dup, p.Ser28fs (NM_001406719.1, NM_001406720.1, NM_001406721.1 and 1 more transcripts); c.-290dup (NM_001406722.1); short protein forms S28fs.
Identifiers: ClinVar variation 3894080 (VCV003894080.1).

ClinVar aggregate classification (germline): Pathogenic (1 of 4 stars; one submission).

Conditions:
Hereditary cancer-predisposing syndrome. Also called: Neoplastic Syndromes, Hereditary; Tumor predisposition; Hereditary Cancer Syndrome; Hereditary neoplastic syndrome. Identifiers: Orphanet 140162, MedGen C0027672, MeSH D009386, MONDO:0015356.

Submission:

Color Diagnostics, LLC DBA Color Health
Classification: Pathogenic for Hereditary cancer-predisposing syndrome. Last evaluated: 2024-09-03. Review status: criteria provided, single submitter. Criteria: ACMG Guidelines, 2015. Collection method: clinical testing. Allele origin: germline.
Comment: This variant inserts 1 nucleotide in exon 3 of the BRCA2 gene, creating a frameshift and premature translation stop signal. This variant is expected to result in an absent or non-functional protein product. To our knowledge, this variant has not been reported in individuals affected with BRCA2-related disorders in the literature. This variant has not been identified in the general population by the Genome Aggregation Database (gnomAD). Loss of BRCA2 function is a known mechanism of disease. Based on the available evidence, this variant is classified as Pathogenic.